The following is an entry in ClinVar:

NM_152296.5(ATP1A3):c.2794A>T (p.Asn932Tyr)

Gene: ATP1A3 (ATPase Na+/K+ transporting subunit alpha 3; minus strand). Cytogenetic location: 19q13.2.
Variant type: single nucleotide variant.
Coding change: c.2794A>T on transcript NM_152296.5 (MANE Select); coding-DNA position 2794, A replaced by T.
Protein change: p.Asn932Tyr; replaces asparagine 932 with tyrosine.
Molecular consequence: missense variant.
Genome position (GRCh38, 1-based): chr19:41,968,810, T>A on the plus strand (A>T on the coding strand, the complement: ATP1A3 is on the minus strand). VCF-style: chr19-41968810-T-A. GRCh37 (hg19) VCF-style: chr19-42472962-T-A.
Other names: c.2827A>T, p.Asn943Tyr (NM_001256213.2); c.2833A>T, p.Asn945Tyr (NM_001256214.2); short protein forms N932Y, N943Y, N945Y.
Identifiers: ClinVar variation 1311499 (VCV001311499.2), dbSNP rs2145944554, ClinGen allele CA406035855.

ClinVar aggregate classification (germline): Uncertain significance (1 of 4 stars; one submission).

Submission:

GeneDx
Classification: Uncertain significance. Last evaluated: 2019-12-26. Review status: criteria provided, single submitter. Criteria: GeneDx Variant Classification Process June 2021. Collection method: clinical testing. Allele origin: germline. Affected: yes.
Comment: Not observed in large population cohorts (Lek et al., 2016); In silico analysis, which includes protein predictors and evolutionary conservation, supports a deleterious effect; Has not been previously published as pathogenic or benign to our knowledge